The following is an entry in ClinVar:

ClinVar aggregate classification (germline): Uncertain significance (1 of 4 stars; one submission).

Conditions:
Epidermolysis bullosa simplex, Ogna type (EBS5A). Also called: Pidermolysis bullosa simplex 5A, Ogna type; EPIDERMOLYSIS BULLOSA SIMPLEX 5A, OGNA TYPE. Identifiers: Orphanet 79401, MedGen C0432317, MONDO:0007555, OMIM 131950.
Epidermolysis bullosa simplex with nail dystrophy (EBS5D). Identifiers: MedGen C4225309, MONDO:0014661, OMIM 616487.
Epidermolysis bullosa simplex 5C, with pyloric atresia (EBS5C). Also called: PLEC-Related Epidermolysis Bullosa with Pyloric Atresia; Epidermolysis bullosa simplex with pyloric atresia; PLEC1-Related Epidermolysis Bullosa with Pyloric Atresia. Identifiers: Orphanet 158684, MedGen C2677349, MONDO:0012807, OMIM 612138.
Epidermolysis bullosa simplex 5B, with muscular dystrophy (EBS5B). Also called: EPIDERMOLYSIS BULLOSA SIMPLEX AND LIMB-GIRDLE MUSCULAR DYSTROPHY; Epidermolysis bullosa simplex with muscular dystrophy. Identifiers: Orphanet 257, MedGen C2931072, MONDO:0009181, OMIM 226670.
Autosomal recessive limb-girdle muscular dystrophy type 2Q (LGMDR17). Also called: MUSCULAR DYSTROPHY, LIMB-GIRDLE, AUTOSOMAL RECESSIVE 17. Identifiers: Orphanet 254361, MedGen C3150989, MONDO:0013390, OMIM 613723.

Submission:

Labcorp Genetics (formerly Invitae), Labcorp
Classification: Uncertain significance for Autosomal recessive limb-girdle muscular dystrophy type 2Q; Epidermolysis bullosa simplex, Ogna type; Epidermolysis bullosa simplex with nail dystrophy; Epidermolysis bullosa simplex 5C, with pyloric atresia; Epidermolysis bullosa simplex 5B, with muscular dystrophy. Last evaluated: 2022-08-09. Review status: criteria provided, single submitter. Criteria: Invitae Variant Classification Sherloc (09022015). Collection method: clinical testing. Allele origin: germline.
Comment: This variant has not been reported in the literature in individuals affected with PLEC-related conditions. Algorithms developed to predict the effect of missense changes on protein structure and function are either unavailable or do not agree on the potential impact of this missense change (SIFT: "Deleterious"; PolyPhen-2: "Not Available"; Align-GVGD: "Class C0"). In summary, the available evidence is currently insufficient to determine the role of this variant in disease. Therefore, it has been classified as a Variant of Uncertain Significance. This variant is not present in population databases (gnomAD no frequency). This sequence change replaces alanine, which is neutral and non-polar, with glycine, which is neutral and non-polar, at codon 4559 of the PLEC protein (p.Ala4559Gly).

NM_201384.3(PLEC):c.13595C>G (p.Ala4532Gly)

Gene: PLEC (plectin; minus strand). Cytogenetic location: 8q24.3.
Variant type: single nucleotide variant.
Coding change: c.13595C>G on transcript NM_201384.3 (MANE Select); coding-DNA position 13595, C replaced by G.
Protein change: p.Ala4532Gly; replaces alanine 4532 with glycine.
Molecular consequence: missense variant.
Genome position (GRCh38, 1-based): chr8:143,916,226, G>C on the plus strand (C>G on the coding strand, the complement: PLEC is on the minus strand). VCF-style: chr8-143916226-G-C. GRCh37 (hg19) VCF-style: chr8-144990394-G-C.
Other names: c.13676C>G, p.Ala4559Gly (NM_000445.5); c.10295C>G, p.Ala3432Gly (NM_001410941.1); c.13553C>G, p.Ala4518Gly (NM_201378.4); c.13529C>G, p.Ala4510Gly (NM_201379.3); c.14006C>G, p.Ala4669Gly (NM_201380.4); c.13499C>G, p.Ala4500Gly (NM_201381.3); c.13595C>G, p.Ala4532Gly (NM_201382.4); c.13607C>G, p.Ala4536Gly (NM_201383.3); short protein forms A3432G, A4500G, A4536G, A4669G, A4510G, A4518G, A4532G, A4559G.
Identifiers: ClinVar variation 2116800 (VCV002116800.4), dbSNP rs2539116924, ClinGen allele CA372473473.